The following is an entry in ClinVar:

ClinVar aggregate classification (germline): Uncertain significance (1 of 4 stars; one submission).

Conditions:
Congenital insensitivity to pain-hypohidrosis syndrome. Also called: HSAN VIII; Neuropathy, hereditary sensory and autonomic, type VIII. Identifiers: Orphanet 478664, MedGen C4225308, MONDO:0014662, OMIM 616488.

Submission:

Labcorp Genetics (formerly Invitae), Labcorp
Classification: Uncertain significance for Congenital insensitivity to pain-hypohidrosis syndrome. Last evaluated: 2025-11-24. Review status: criteria provided, single submitter. Criteria: Invitae Variant Classification Sherloc (09022015). Collection method: clinical testing. Allele origin: germline.
Comment: This sequence change creates a premature translational stop signal (p.Cys273*) in the PRDM12 gene. While this is not anticipated to result in nonsense mediated decay, it is expected to disrupt the last 95 amino acid(s) of the PRDM12 protein. Information on the frequency of this variant in the gnomAD database is not available, as this variant may be reported differently in the database. This variant has not been reported in the literature in individuals affected with PRDM12-related conditions. Experimental studies and prediction algorithms are not available or were not evaluated, and the functional significance of this variant is currently unknown. In summary, the available evidence is currently insufficient to determine the role of this variant in disease. Therefore, it has been classified as a Variant of Uncertain Significance.

NM_021619.3(PRDM12):c.818_819delinsAA (p.Cys273Ter)

Gene: PRDM12 (PR/SET domain 12; plus strand). Cytogenetic location: 9q34.12.
Variant type: Indel.
Coding change: c.818_819delinsAA on transcript NM_021619.3 (MANE Select); coding-DNA positions 818 to 819, GC replaced by AA.
Protein change: p.Cys273Ter; replaces cysteine 273 with a stop codon.
Molecular consequence: nonsense.
Genome position (GRCh38, 1-based): chr9:130,681,383-130,681,384, GC replaced by AA. VCF-style: chr9-130681383-GC-AA. GRCh37 (hg19) VCF-style: chr9-133556770-GC-AA.
Other names: short protein forms C273*.
Identifiers: ClinVar variation 4700249 (VCV004700249.1).